The following is an entry in ClinVar:

ClinVar aggregate classification (germline): Uncertain significance (1 of 4 stars; one submission).

Conditions:
Cardiovascular phenotype. Identifiers: MedGen CN230736.

Submission:

Ambry Genetics
Classification: Uncertain significance for Cardiovascular phenotype. Last evaluated: 2026-04-27. Review status: criteria provided, single submitter. Criteria: Ambry Variant Classification Scheme 2023. Collection method: clinical testing. Allele origin: germline.
Comment: The p.K487R variant (also known as c.1460A>G), located in coding exon 11 of the TRPM4 gene, results from an A to G substitution at nucleotide position 1460. The lysine at codon 487 is replaced by arginine, an amino acid with highly similar properties. This amino acid position is conserved. In addition, this alteration is predicted to be tolerated by in silico analysis. Based on the available evidence, the clinical significance of this variant remains unclear.

NM_017636.4(TRPM4):c.1460A>G (p.Lys487Arg)

Gene: TRPM4 (transient receptor potential cation channel subfamily M member 4; plus strand). Cytogenetic location: 19q13.33.
Variant type: single nucleotide variant.
Coding change: c.1460A>G on transcript NM_017636.4 (MANE Select); coding-DNA position 1460, A replaced by G.
Protein change: p.Lys487Arg; replaces lysine 487 with arginine.
Molecular consequence: missense variant. On other transcripts: 5 prime UTR variant (1).
Genome position (GRCh38, 1-based): chr19:49,182,774, A>G. VCF-style: chr19-49182774-A-G. GRCh37 (hg19) VCF-style: chr19-49686031-A-G.
Other names: c.1460A>G, p.Lys487Arg (NM_001195227.2); c.1115A>G, p.Lys372Arg (NM_001321281.2); c.-94A>G (NM_001321282.2); c.938A>G, p.Lys313Arg (NM_001321283.2); c.398A>G, p.Lys133Arg (NM_001321285.2); short protein forms K133R, K313R, K372R, K487R.
Identifiers: ClinVar variation 4865979 (VCV004865979.1).